The following is an entry in ClinVar:

ClinVar aggregate classification (germline): Uncertain significance (1 of 4 stars; one submission).

Conditions:
Progressive myoclonic epilepsy type 5. Identifiers: Orphanet 402082, MedGen C5190799.

Allele frequency attached by ClinVar (database versions not stated): TOPMed below 0.00001.
gnomAD v4.1: 2 of 1,614,188 alleles (0.00012%); no homozygotes.

Submission:

Labcorp Genetics (formerly Invitae), Labcorp
Classification: Uncertain significance for Progressive myoclonic epilepsy type 5. Last evaluated: 2020-11-26. Review status: criteria provided, single submitter. Criteria: Invitae Variant Classification Sherloc (09022015). Collection method: clinical testing. Allele origin: germline.
Comment: This sequence change replaces proline with serine at codon 819 of the PRICKLE2 protein (p.Pro819Ser). The proline residue is highly conserved and there is a moderate physicochemical difference between proline and serine. In summary, this variant is a novel missense change with uncertain impact on protein function. It has been classified as a Variant of Uncertain Significance. Algorithms developed to predict the effect of missense changes on protein structure and function do not agree on the potential impact of this missense change (SIFT: "Tolerated"; PolyPhen-2: "Benign"; Align-GVGD: "Class C25"). This variant is not present in population databases (ExAC no frequency) and has not been reported in the literature in individuals with a PRICKLE2-related disease.

NM_198859.4(PRICKLE2):c.2455C>T (p.Pro819Ser)

Genes: PRICKLE2 (prickle planar cell polarity protein 2; minus strand), PRICKLE2-AS1 (PRICKLE2 antisense RNA 1; plus strand). Cytogenetic location: 3p14.1.
Variant type: single nucleotide variant.
Coding change: c.2455C>T on transcript NM_198859.4 (MANE Select); coding-DNA position 2455, C replaced by T.
Protein change: p.Pro819Ser; replaces proline 819 with serine.
Molecular consequence: missense variant. On other transcripts: non-coding transcript variant (1).
Genome position (GRCh38, 1-based): chr3:64,099,131, G>A on the plus strand (C>T on the coding strand, the complement: PRICKLE2 is on the minus strand). VCF-style: chr3-64099131-G-A. GRCh37 (hg19) VCF-style: chr3-64084807-G-A.
Other names: c.2455C>T, p.Pro819Ser (NM_001370528.1); short protein forms P819S.
Identifiers: ClinVar variation 478005 (VCV000478005.5), dbSNP rs972442832, ClinGen allele CA75715643.
Genomic context (GRCh38, chr3:64,099,131, plus strand): 5'-TGCTCTTCTGTCTTTTCCTGCTGTGCAACTGTCCTCTGCCACCTAATGTGGAAGATTTGG[G>A]GAGGCCGTAGGAGCTGTATTTGTGCAGCAGCTCATCGCTTGTGACGTATCGCAGGCGCGC-3'
Protein context (NP_942559.1, residues 809-829): LLHKYSSYGL[Pro819Ser]KSSTLGGRGQ